The following is an entry in ClinVar:

ClinVar aggregate classification (germline): Uncertain significance. Review status: criteria provided, multiple submitters, no conflicts (2 of 4 stars). 2 submissions from 2 submitters: Uncertain significance (2). Last evaluated 2025-07-18.

Conditions:
Hereditary cancer-predisposing syndrome. Also called: Hereditary Cancer Syndrome; Hereditary neoplastic syndrome; Neoplastic Syndromes, Hereditary; Tumor predisposition. Identifiers: Orphanet 140162, MedGen C0027672, MeSH D009386, MONDO:0015356.

Submissions (2):

Color Diagnostics, LLC DBA Color Health
Classification: Uncertain significance for Hereditary cancer-predisposing syndrome. Last evaluated: 2025-07-18. Review status: criteria provided, single submitter. Criteria: ACMG Guidelines, 2015. Collection method: clinical testing. Allele origin: germline.
Comment: This missense variant replaces leucine with proline at codon 453 of the APC protein. Computational prediction suggests that this variant may have deleterious impact on protein structure and function. To our knowledge, functional studies have not been reported for this variant. This variant has not been reported in individuals affected with APC-related disorders in the literature. This variant has not been identified in the general population by the Genome Aggregation Database (gnomAD). The available evidence is insufficient to determine the role of this variant in disease conclusively. Therefore, this variant is classified as a Variant of Uncertain Significance.

Ambry Genetics
Classification: Uncertain significance for Hereditary cancer-predisposing syndrome. Last evaluated: 2021-10-26. Review status: criteria provided, single submitter. Criteria: Ambry Variant Classification Scheme 2023. Collection method: clinical testing. Allele origin: germline.
Comment: The p.L453P variant (also known as c.1358T>C), located in coding exon 10 of the APC gene, results from a T to C substitution at nucleotide position 1358. The leucine at codon 453 is replaced by proline, an amino acid with similar properties. This amino acid position is highly conserved in available vertebrate species. In addition, in silico predictors for this gene do not accurately predict pathogenicity. Since supporting evidence is limited at this time, the clinical significance of this alteration remains unclear.

NM_000038.6(APC):c.1358T>C (p.Leu453Pro)

Gene: APC (APC regulator of Wnt signaling pathway; plus strand). Cytogenetic location: 5q22.2.
Variant type: single nucleotide variant.
Coding change: c.1358T>C on transcript NM_000038.6 (MANE Select); coding-DNA position 1358, T replaced by C.
Protein change: p.Leu453Pro; replaces leucine 453 with proline.
Molecular consequence: missense variant.
Genome position (GRCh38, 1-based): chr5:112,821,941, T>C. VCF-style: chr5-112821941-T-C. GRCh37 (hg19) VCF-style: chr5-112157638-T-C.
Other names: c.1358T>C, p.Leu453Pro (NM_001127510.3, NM_001354895.2, NM_001354896.2 and 4 more transcripts); c.1304T>C, p.Leu435Pro (NM_001127511.3); c.1388T>C, p.Leu463Pro (NM_001354897.2, NM_001407446.1); c.1283T>C, p.Leu428Pro (NM_001354898.2, NM_001407451.1); c.1274T>C, p.Leu425Pro (NM_001354899.2, NM_001407452.1); c.1181T>C, p.Leu394Pro (NM_001354900.2, NM_001354901.2, NM_001407453.1); c.1085T>C, p.Leu362Pro (NM_001354902.2); c.1055T>C, p.Leu352Pro (NM_001354903.2, NM_001407454.1, NM_001407455.1 and 5 more transcripts); and 5 more; short protein forms L362P, L425P, L463P, L327P, L394P, L453P, L170P, L324P.
Identifiers: ClinVar variation 1770748 (VCV001770748.3), dbSNP rs2533109002, ClinGen allele CA16024276.